The following is an entry in ClinVar:

NM_004795.4(KL):c.607G>T (p.Ala203Ser)

Gene: KL (klotho; plus strand). Cytogenetic location: 13q13.1.
Variant type: single nucleotide variant.
Coding change: c.607G>T on transcript NM_004795.4 (MANE Select); coding-DNA position 607, G replaced by T.
Protein change: p.Ala203Ser; replaces alanine 203 with serine.
Molecular consequence: missense variant.
Genome position (GRCh38, 1-based): chr13:33,017,047, G>T. VCF-style: chr13-33017047-G-T. GRCh37 (hg19) VCF-style: chr13-33591185-G-T.
Other names: p.Ala203Ser; short protein forms A203S.
Identifiers: ClinVar variation 710027 (VCV000710027.14), dbSNP rs116289670, ClinGen allele CA6943925.

ClinVar aggregate classification (germline): Benign/Likely benign. Review status: criteria provided, multiple submitters, no conflicts (2 of 4 stars). 4 submissions from 4 submitters: Benign (3); Likely benign (1). Last evaluated 2025-12-23.

Conditions:
Tumoral calcinosis, hyperphosphatemic, familial, 3. Identifiers: MedGen C4693864, MONDO:0060715, OMIM 617994.

Allele frequency attached by ClinVar (database versions not stated): ESP Exome Variant Server 0.00660; TOPMed 0.00679; gnomAD exomes 0.00064 and 0.00148; ExAC 0.00210; 1000 Genomes Project 30x 0.00453; 1000 Genomes Project 0.00459; gnomAD 0.00597 and 0.00657.
gnomAD v4.1: 1,897 of 1,600,704 alleles (0.12%); highest among the groups gnomAD compares: African/African-American, 2.1%; 18 homozygotes.

Submissions (4):

Labcorp Genetics (formerly Invitae), Labcorp
Classification: Benign. Last evaluated: 2025-12-23. Review status: criteria provided, single submitter. Criteria: Invitae Variant Classification Sherloc (09022015). Collection method: clinical testing. Allele origin: germline.

Mayo Clinic Laboratories, Mayo Clinic
Classification: Likely benign. Last evaluated: 2025-04-23. Review status: criteria provided, single submitter. Criteria: ACMG Guidelines, 2015. Collection method: clinical testing. Allele origin: germline. Observed: 1 variant allele.
Comment: BS1, BP4_moderate

Illumina Laboratory Services, Illumina
Classification: Benign for Tumoral calcinosis, hyperphosphatemic, familial, 3. Last evaluated: 2018-01-12. Review status: criteria provided, single submitter. Criteria: ICSL Variant Classification Criteria 13 December 2019. Collection method: clinical testing. Allele origin: germline.
Comment: This variant was observed in the ICSL laboratory as part of a predisposition screen in an ostensibly healthy population. It had not been previously curated by ICSL or reported in the Human Gene Mutation Database (HGMD: prior to June 1st, 2018), and was therefore a candidate for classification through an automated scoring system. Utilizing variant allele frequency, disease prevalence and penetrance estimates, and inheritance mode, an automated score was calculated to assess if this variant is too frequent to cause the disease. Based on the score and internal cut-off values, a variant classified as benign is not then subjected to further curation. The score for this variant resulted in a classification of benign for this disease.

Breakthrough Genomics
Classification: Benign. Review status: criteria provided, single submitter. Criteria: ACMG Guidelines, 2015. Collection method: not provided. Allele origin: germline. Inheritance: Autosomal recessive inheritance. Affected: yes.